The following is an entry in ClinVar:

NM_000264.5(PTCH1):c.3056A>G (p.Glu1019Gly)

Gene: PTCH1 (patched 1; minus strand). Cytogenetic location: 9q22.32.
Variant type: single nucleotide variant.
Coding change: c.3056A>G on transcript NM_000264.5 (MANE Select); coding-DNA position 3056, A replaced by G.
Protein change: p.Glu1019Gly; replaces glutamic acid 1019 with glycine.
Molecular consequence: missense variant. On other transcripts: non-coding transcript variant (1).
Genome position (GRCh38, 1-based): chr9:95,458,125, T>C on the plus strand (A>G on the coding strand, the complement: PTCH1 is on the minus strand). VCF-style: chr9-95458125-T-C. GRCh37 (hg19) VCF-style: chr9-98220407-T-C.
Other names: c.2858A>G, p.Glu953Gly (NM_001083602.3); c.3053A>G, p.Glu1018Gly (NM_001083603.3); c.2603A>G, p.Glu868Gly (NM_001083604.3, NM_001083605.3, NM_001083606.3 and 1 more transcripts); c.2900A>G, p.Glu967Gly (NM_001354918.2); short protein forms E868G, E1019G, E1018G, E953G, E967G.
Identifiers: ClinVar variation 4675535 (VCV004675535.1).

ClinVar aggregate classification (germline): Uncertain significance (1 of 4 stars; one submission).

Conditions:
Hereditary cancer-predisposing syndrome. Also called: Neoplastic Syndromes, Hereditary; Tumor predisposition; Hereditary Cancer Syndrome; Hereditary neoplastic syndrome. Identifiers: Orphanet 140162, MedGen C0027672, MeSH D009386, MONDO:0015356.

Submission:

Ambry Genetics
Classification: Uncertain significance for Hereditary cancer-predisposing syndrome. Last evaluated: 2025-10-05. Review status: criteria provided, single submitter. Criteria: Ambry Variant Classification Scheme 2023. Collection method: clinical testing. Allele origin: germline.
Comment: The p.E1019G variant (also known as c.3056A>G), located in coding exon 18 of the PTCH1 gene, results from an A to G substitution at nucleotide position 3056. The glutamic acid at codon 1019 is replaced by glycine, an amino acid with similar properties. This amino acid position is conserved. In addition, this alteration is predicted to be deleterious by in silico analysis. Based on the available evidence, the clinical significance of this variant remains unclear.